The following is an entry in ClinVar:

ClinVar aggregate classification (germline): Uncertain significance (1 of 4 stars; one submission).

Conditions:
Hereditary cancer-predisposing syndrome. Also called: Neoplastic Syndromes, Hereditary; Tumor predisposition; Hereditary neoplastic syndrome; Hereditary Cancer Syndrome. Identifiers: Orphanet 140162, MedGen C0027672, MeSH D009386, MONDO:0015356.

Submission:

Ambry Genetics
Classification: Uncertain significance for Hereditary cancer-predisposing syndrome. Last evaluated: 2026-07-28. Review status: criteria provided, single submitter. Criteria: Ambry Variant Classification Scheme 2023. Collection method: clinical testing. Allele origin: germline.
Comment: The p.K153R variant (also known as c.458A>G), located in coding exon 4 of the BARD1 gene, results from an A to G substitution at nucleotide position 458. The lysine at codon 153 is replaced by arginine, an amino acid with highly similar properties. This amino acid position is conserved. In addition, this alteration is predicted to be tolerated by in silico analysis. Based on the available evidence, the clinical significance of this variant remains unclear.

NM_000465.4(BARD1):c.458A>G (p.Lys153Arg)

Gene: BARD1 (BRCA1 associated RING domain 1; minus strand). Cytogenetic location: 2q35.
Variant type: single nucleotide variant.
Coding change: c.458A>G on transcript NM_000465.4 (MANE Select); coding-DNA position 458, A replaced by G.
Protein change: p.Lys153Arg; replaces lysine 153 with arginine.
Molecular consequence: missense variant. On other transcripts: non-coding transcript variant (2), intron variant (3).
Genome position (GRCh38, 1-based): chr2:214,781,416, T>C on the plus strand (A>G on the coding strand, the complement: BARD1 is on the minus strand). VCF-style: chr2-214781416-T-C. GRCh37 (hg19) VCF-style: chr2-215646140-T-C.
Other names: c.401A>G, p.Lys134Arg (NM_001282543.2); c.158+27996A>G (NM_001282548.2); c.215+15645A>G (NM_001282545.2); c.364+10881A>G (NM_001282549.2); short protein forms K153R, K134R.
Identifiers: ClinVar variation 5032808 (VCV005032808.1).